The following is an entry in ClinVar:

NM_015443.4(KANSL1):c.661A>G (p.Thr221Ala)

Gene: KANSL1 (KAT8 regulatory NSL complex subunit 1). Cytogenetic location: 17q21.31.
Variant type: single nucleotide variant.
Coding change: c.661A>G on transcript NM_015443.4 (MANE Select); coding-DNA position 661, A replaced by G.
Protein change: p.Thr221Ala; replaces threonine 221 with alanine.
Molecular consequence: missense variant. On other transcripts: intron variant (4).
Genome position (GRCh38, 1-based): chr17:46,171,483, T>C on the plus strand (A>G on the coding strand, the complement: KANSL1 is on the minus strand). VCF-style: chr17-46171483-T-C. GRCh37 (hg19) VCF-style: chr17-44248849-T-C.
Other names: c.661A>G, p.Thr221Ala (NM_001405856.1, NM_001405857.1, NM_001405858.1 and 18 more transcripts); c.23+52188A>G (NM_001405885.1, NM_001405884.1, NM_001405883.1 and 1 more transcripts); short protein forms T221A.
Identifiers: ClinVar variation 3388611 (VCV003388611.14).

ClinVar aggregate classification (germline): Uncertain significance (1 of 4 stars; one submission).

Submission:

CeGaT Center for Human Genetics Tuebingen
Classification: Uncertain significance. Last evaluated: 2024-11-01. Review status: criteria provided, single submitter. Criteria: CeGaT Center For Human Genetics Tuebingen Variant Classification Criteria Version 2. Collection method: clinical testing. Allele origin: germline. Affected: yes. Observed: 1 variant allele.
Comment: KANSL1: PM2, BP4